The following is an entry in ClinVar:

ClinVar aggregate classification (germline): Uncertain significance. Review status: criteria provided, multiple submitters, no conflicts (2 of 4 stars). 2 submissions from 2 submitters: Uncertain significance (2). Last evaluated 2024-09-10.

Conditions:
Renal cell carcinoma. Identifiers: Orphanet 217071, MedGen C0007134, MeSH D002292, MONDO:0005086, HP:0005584.
Hereditary cancer-predisposing syndrome. Also called: Hereditary neoplastic syndrome; Neoplastic Syndromes, Hereditary; Tumor predisposition; Hereditary Cancer Syndrome. Identifiers: Orphanet 140162, MedGen C0027672, MeSH D009386, MONDO:0015356.

Allele frequency attached by ClinVar (database versions not stated): gnomAD exomes below 0.00001.
gnomAD v4.1: 1 of 1,613,992 alleles (0.000062%); highest among the groups gnomAD compares: African/African-American, 0.0013%; no homozygotes.

Submissions (2):

Ambry Genetics
Classification: Uncertain significance for Hereditary cancer-predisposing syndrome. Last evaluated: 2024-09-10. Review status: criteria provided, single submitter. Criteria: Ambry Variant Classification Scheme 2023. Collection method: clinical testing. Allele origin: germline.
Comment: The p.Q947R variant (also known as c.2840A>G), located in coding exon 12 of the MET gene, results from an A to G substitution at nucleotide position 2840. The glutamine at codon 947 is replaced by arginine, an amino acid with highly similar properties. This amino acid position is well conserved in available vertebrate species. In addition, this alteration is predicted to be tolerated by in silico analysis. Based on the available evidence, the clinical significance of this variant remains unclear.

Labcorp Genetics (formerly Invitae), Labcorp
Classification: Uncertain significance for Renal cell carcinoma. Last evaluated: 2022-08-31. Review status: criteria provided, single submitter. Criteria: Invitae Variant Classification Sherloc (09022015). Collection method: clinical testing. Allele origin: germline.
Comment: In summary, the available evidence is currently insufficient to determine the role of this variant in disease. Therefore, it has been classified as a Variant of Uncertain Significance. Algorithms developed to predict the effect of missense changes on protein structure and function are either unavailable or do not agree on the potential impact of this missense change (SIFT: "Deleterious"; PolyPhen-2: "Benign"; Align-GVGD: "Class C0"). ClinVar contains an entry for this variant (Variation ID: 835872). This variant has not been reported in the literature in individuals affected with MET-related conditions. This variant is not present in population databases (gnomAD no frequency). This sequence change replaces glutamine, which is neutral and polar, with arginine, which is basic and polar, at codon 947 of the MET protein (p.Gln947Arg).

NM_000245.4(MET):c.2786A>G (p.Gln929Arg)

Gene: MET (MET proto-oncogene, receptor tyrosine kinase; plus strand). Cytogenetic location: 7q31.2.
Variant type: single nucleotide variant.
Coding change: c.2786A>G on transcript NM_000245.4 (MANE Select); coding-DNA position 2786, A replaced by G.
Protein change: p.Gln929Arg; replaces glutamine 929 with arginine.
Molecular consequence: missense variant.
Genome position (GRCh38, 1-based): chr7:116,771,553, A>G. VCF-style: chr7-116771553-A-G. GRCh37 (hg19) VCF-style: chr7-116411607-A-G.
Other names: c.2840A>G, p.Gln947Arg (NM_001127500.3); c.1496A>G, p.Gln499Arg (NM_001324402.2); short protein forms Q947R, Q929R, Q499R.
Identifiers: ClinVar variation 835872 (VCV000835872.10), dbSNP rs1794833626, ClinGen allele CA368986334.